The following is an entry in ClinVar:

GRCh38/hg38 17p13.3(chr17:198748-496099)x3

Genes: LIAT1 (ligand of ATE1; plus strand), RFLNB (refilin B; minus strand), RPH3AL (rabphilin 3A like (without C2 domains)), RPH3AL-AS1 (RPH3AL antisense RNA 1), LOC105371430 (uncharacterized LOC105371430; minus strand) and 8 more. Cytogenetic location: 17p13.3.
Variant type: copy number gain.
Change: copy number 3 (three copies instead of two) of chr17:198,748-496,099 (297.4 kb, GRCh38 coordinates, 1-based), cytogenetic band 17p13.3.
Identifiers: ClinVar variation 60093 (VCV000060093.1).

ClinVar aggregate classification (germline): Uncertain significance (1 of 4 stars; one submission).

Submission:

ISCA site 4
Classification: Uncertain significance. Last evaluated: 2011-08-12. Review status: criteria provided, single submitter. Criteria: Kaminsky et al. (Genet Med. 2011). Collection method: clinical testing. Allele origin: paternal. Affected: yes. Observed: 1 variant allele.
Comment: Copy number variation identified through the course of routine clinical cytogenomic testing in postnatal populations. Clinical assertions have been curated as described in Kaminsky et al. 2011.